The following is an entry in ClinVar:

ClinVar aggregate classification (germline): Uncertain significance (1 of 4 stars; one submission).

Conditions:
Brugada syndrome 8 (BRGDA8). Identifiers: Orphanet 130, MedGen C2751083, MONDO:0013148, OMIM 613123.

Allele frequency attached by ClinVar (database versions not stated): gnomAD exomes below 0.00001.
gnomAD v4.1: 1 of 1,614,158 alleles (0.000062%); highest among the groups gnomAD compares: Non-Finnish European, 0.000085%; no homozygotes.

Submission:

Labcorp Genetics (formerly Invitae), Labcorp
Classification: Uncertain significance for Brugada syndrome 8. Last evaluated: 2022-03-18. Review status: criteria provided, single submitter. Criteria: Invitae Variant Classification Sherloc (09022015). Collection method: clinical testing. Allele origin: germline.
Comment: This sequence change replaces methionine, which is neutral and non-polar, with valine, which is neutral and non-polar, at codon 473 of the HCN4 protein (p.Met473Val). This variant is not present in population databases (gnomAD no frequency). This variant has not been reported in the literature in individuals affected with HCN4-related conditions. Advanced modeling of protein sequence and biophysical properties (such as structural, functional, and spatial information, amino acid conservation, physicochemical variation, residue mobility, and thermodynamic stability) performed at Invitae indicates that this missense variant is expected to disrupt HCN4 protein function. Algorithms developed to predict the effect of sequence changes on RNA splicing suggest that this variant may create or strengthen a splice site. In summary, the available evidence is currently insufficient to determine the role of this variant in disease. Therefore, it has been classified as a Variant of Uncertain Significance.

NM_005477.3(HCN4):c.1417A>G (p.Met473Val)

Gene: HCN4 (hyperpolarization activated cyclic nucleotide gated potassium channel 4; minus strand). Cytogenetic location: 15q24.1.
Variant type: single nucleotide variant.
Coding change: c.1417A>G on transcript NM_005477.3 (MANE Select); coding-DNA position 1417, A replaced by G.
Protein change: p.Met473Val; replaces methionine 473 with valine.
Molecular consequence: missense variant.
Genome position (GRCh38, 1-based): chr15:73,329,746, T>C on the plus strand (A>G on the coding strand, the complement: HCN4 is on the minus strand). VCF-style: chr15-73329746-T-C. GRCh37 (hg19) VCF-style: chr15-73622087-T-C.
Other names: short protein forms M473V.
Identifiers: ClinVar variation 2027547 (VCV002027547.4), dbSNP rs2549071424, ClinGen allele CA393094033.